The following is an entry in ClinVar:

ClinVar aggregate classification (germline): Uncertain significance (1 of 4 stars; one submission).

Conditions:
Inborn genetic diseases. Identifiers: MedGen C0950123, MeSH D030342.

gnomAD v4.1: 2 of 1,418,114 alleles (0.00014%); highest among the groups gnomAD compares: African/African-American, 0.0028%; no homozygotes.

Submission:

Ambry Genetics
Classification: Uncertain significance for Inborn genetic diseases. Last evaluated: 2025-02-03. Review status: criteria provided, single submitter. Criteria: Ambry Variant Classification Scheme 2023. Collection method: clinical testing. Allele origin: germline.
Comment: The p.F443L variant (also known as c.1329T>G), located in coding exon 8 of the FANCM gene, results from a T to G substitution at nucleotide position 1329. The phenylalanine at codon 443 is replaced by leucine, an amino acid with highly similar properties. This amino acid position is conserved. In addition, this alteration is predicted to be tolerated by in silico analysis. Based on the available evidence, the clinical significance of this variant remains unclear.

NM_020937.4(FANCM):c.1329T>G (p.Phe443Leu)

Gene: FANCM (FA complementation group M; plus strand). Cytogenetic location: 14q21.2.
Variant type: single nucleotide variant.
Coding change: c.1329T>G on transcript NM_020937.4 (MANE Select); coding-DNA position 1329, T replaced by G.
Protein change: p.Phe443Leu; replaces phenylalanine 443 with leucine.
Molecular consequence: missense variant.
Genome position (GRCh38, 1-based): chr14:45,155,392, T>G. VCF-style: chr14-45155392-T-G. GRCh37 (hg19) VCF-style: chr14-45624595-T-G.
Other names: c.1251T>G, p.Phe417Leu (NM_001308133.2); c.1329T>G, p.Phe443Leu (NM_001308134.2); short protein forms F443L, F417L.
Identifiers: ClinVar variation 3848687 (VCV003848687.1).